The following is an entry in ClinVar:

NM_006073.4(TRDN):c.608A>G (p.Lys203Arg)

Gene: TRDN (triadin; minus strand). Cytogenetic location: 6q22.31.
Variant type: single nucleotide variant.
Coding change: c.608A>G on transcript NM_006073.4 (MANE Select); coding-DNA position 608, A replaced by G.
Protein change: p.Lys203Arg; replaces lysine 203 with arginine.
Molecular consequence: missense variant.
Genome position (GRCh38, 1-based): chr6:123,512,305, T>C on the plus strand (A>G on the coding strand, the complement: TRDN is on the minus strand). VCF-style: chr6-123512305-T-C. GRCh37 (hg19) VCF-style: chr6-123833450-T-C.
Other names: c.608A>G, p.Lys203Arg (NM_001251987.2, NM_001256020.2, NM_001256021.2 and 1 more transcripts); short protein forms K203R.
Identifiers: ClinVar variation 5031109 (VCV005031109.1).

ClinVar aggregate classification (germline): Uncertain significance (1 of 4 stars; one submission).

Conditions:
Cardiovascular phenotype. Identifiers: MedGen CN230736.

gnomAD v4.1: 3 of 1,468,828 alleles (0.0002%); highest among the groups gnomAD compares: East Asian, 0.0023%; no homozygotes.

Submission:

Ambry Genetics
Classification: Uncertain significance for Cardiovascular phenotype. Last evaluated: 2026-09-12. Review status: criteria provided, single submitter. Criteria: Ambry Variant Classification Scheme 2023. Collection method: clinical testing. Allele origin: germline.
Comment: The p.K203R variant (also known as c.608A>G), located in coding exon 7 of the TRDN gene, results from an A to G substitution at nucleotide position 608. The lysine at codon 203 is replaced by arginine, an amino acid with highly similar properties. This amino acid position is conserved. In addition, this alteration is predicted to be tolerated by in silico analysis. Based on the available evidence, the clinical significance of this variant remains unclear.